The following is an entry in ClinVar:

ClinVar aggregate classification (germline): Benign (1 of 4 stars; one submission).

Allele frequency attached by ClinVar (database versions not stated): gnomAD 0.73397 and 0.73759; TOPMed 0.74786; 1000 Genomes Project 30x 0.82433; 1000 Genomes Project 0.82568.
gnomAD v4.1: 112,078 of 152,210 alleles (74%); highest among the groups gnomAD compares: East Asian, 96%; 42,190 homozygotes.

Submission:

GeneDx
Classification: Benign. Last evaluated: 2018-06-18. Review status: criteria provided, single submitter. Criteria: GeneDx Variant Classification (06012015). Collection method: clinical testing. Allele origin: germline. Affected: yes.
Comment: This variant is considered likely benign or benign based on one or more of the following criteria: it is a conservative change, it occurs at a poorly conserved position in the protein, it is predicted to be benign by multiple in silico algorithms, and/or has population frequency not consistent with disease.

NM_001852.4(COL9A2):c.847-277T>G

Gene: COL9A2 (collagen type IX alpha 2 chain; minus strand). Cytogenetic location: 1p34.2.
Variant type: single nucleotide variant.
Coding change: c.847-277T>G on transcript NM_001852.4 (MANE Select); 277 bases into the intron before coding-DNA position 847, T replaced by G.
Molecular consequence: intron variant.
Genome position (GRCh38, 1-based): chr1:40,308,522, A>C on the plus strand (T>G on the coding strand, the complement: COL9A2 is on the minus strand). VCF-style: chr1-40308522-A-C. GRCh37 (hg19) VCF-style: chr1-40774194-A-C.
Identifiers: ClinVar variation 683426 (VCV000683426.1), dbSNP rs364281, ClinGen allele CA10768610.